The following is an entry in ClinVar:

ClinVar aggregate classification (germline): Uncertain significance (1 of 4 stars; one submission).

Conditions:
Progressive myoclonic epilepsy. Also called: Familial progressive myoclonic epilepsy; Myoclonic Epilepsies, Progressive; Progressive myoclonus epilepsy; Myoclonus epilepsy. Identifiers: Orphanet 308, Orphanet 98261, MedGen C0751778, MONDO:0020074.

Submission:

Labcorp Genetics (formerly Invitae), Labcorp
Classification: Uncertain significance for Progressive myoclonic epilepsy. Last evaluated: 2017-10-18. Review status: criteria provided, single submitter. Criteria: Invitae Variant Classification Sherloc (09022015). Collection method: clinical testing. Allele origin: germline.
Comment: This sequence change replaces threonine with isoleucine at codon 251 of the SCARB2 protein (p.Thr251Ile). The threonine residue is highly conserved and there is a moderate physicochemical difference between threonine and isoleucine. This variant has not been reported in the literature in individuals with SCARB2-related disease. This variant is not present in population databases (ExAC no frequency). In summary, the available evidence is currently insufficient to determine the role of this variant in disease. Therefore, it has been classified as a Variant of Uncertain Significance. Algorithms developed to predict the effect of missense changes on protein structure and function do not agree on the potential impact of this missense change (SIFT: "Deleterious"; PolyPhen-2: "Possibly Damaging"; Align-GVGD: "Class C15").

NM_005506.4(SCARB2):c.752C>T (p.Thr251Ile)

Gene: SCARB2 (scavenger receptor class B member 2; minus strand). Cytogenetic location: 4q21.1.
Variant type: single nucleotide variant.
Coding change: c.752C>T on transcript NM_005506.4 (MANE Select); coding-DNA position 752, C replaced by T.
Protein change: p.Thr251Ile; replaces threonine 251 with isoleucine.
Molecular consequence: missense variant.
Genome position (GRCh38, 1-based): chr4:76,175,863, G>A on the plus strand (C>T on the coding strand, the complement: SCARB2 is on the minus strand). VCF-style: chr4-76175863-G-A. GRCh37 (hg19) VCF-style: chr4-77097016-G-A.
Other names: c.323C>T, p.Thr108Ile (NM_001204255.2); short protein forms T251I, T108I.
Identifiers: ClinVar variation 531805 (VCV000531805.8), dbSNP rs1553948166, ClinGen allele CA357316304.
Genomic context (GRCh38, chr4:76,175,863, plus strand): 5'-GATGGGAAGACATAAAGGACCTCATCTTTGGTTATTAGTGGGTGAAAAGAATCTCCATCT[G>A]TTCCATTAATCATATTGCACTTGTCTGTTATCCACCAGTCAAGTGACCTATAATTGATAA-3'
Protein context (NP_005497.1, residues 241-261): ITDKCNMING[Thr251Ile]DGDSFHPLIT